The following is an entry in ClinVar:

NM_001142800.2(EYS):c.4450T>C (p.Trp1484Arg)

Gene: EYS (EGF-like photoreceptor maintenance factor; minus strand). Cytogenetic location: 6q12.
Variant type: single nucleotide variant.
Coding change: c.4450T>C on transcript NM_001142800.2 (MANE Select); coding-DNA position 4450, T replaced by C.
Protein change: p.Trp1484Arg; replaces tryptophan 1484 with arginine.
Molecular consequence: missense variant.
Genome position (GRCh38, 1-based): chr6:64,591,417, A>G on the plus strand (T>C on the coding strand, the complement: EYS is on the minus strand). VCF-style: chr6-64591417-A-G. GRCh37 (hg19) VCF-style: chr6-65301310-A-G.
Other names: c.4450T>C, p.Trp1484Arg (NM_001292009.2); short protein forms W1484R.
Identifiers: ClinVar variation 2136432 (VCV002136432.2), dbSNP rs1260400598, ClinGen allele CA364783300.
Genomic context (GRCh38, chr6:64,591,417, plus strand): 5'-GTTTAGATATAATTACCTTAGCAGGAAAAATGGGAGACATCGAGGGGCTGAGCAATCTCC[A>G]GTGCTCTCTTCTTGAAATTAAAGAATCAGCTGAATATTCTTCAATATCCTCTTGAGCCCC-3'
Protein context (NP_001136272.1, residues 1474-1494): ADSLISRREH[Trp1484Arg]RLLSPSMSPI

ClinVar aggregate classification (germline): Uncertain significance. Review status: criteria provided, multiple submitters, no conflicts (2 of 4 stars). 2 submissions from 2 submitters: Uncertain significance (2). Last evaluated 2021-08-30.

Allele frequency attached by ClinVar (database versions not stated): gnomAD 0.00001; gnomAD exomes 0.00001; TOPMed 0.00002.
gnomAD v4.1: 15 of 1,551,252 alleles (0.00097%); highest among the groups gnomAD compares: African/African-American, 0.0014%; no homozygotes.

Submissions (2):

Labcorp Genetics (formerly Invitae), Labcorp
Classification: Uncertain significance. Last evaluated: 2021-08-30. Review status: criteria provided, single submitter. Criteria: Invitae Variant Classification Sherloc (09022015). Collection method: clinical testing. Allele origin: germline.
Comment: This sequence change replaces tryptophan with arginine at codon 1484 of the EYS protein (p.Trp1484Arg). The tryptophan residue is moderately conserved and there is a moderate physicochemical difference between tryptophan and arginine. This variant is not present in population databases (ExAC no frequency). This missense change has been observed in individual(s) with retinitis pigmentosa (PMID: 21069908, 21519034). Algorithms developed to predict the effect of missense changes on protein structure and function output the following: SIFT: "Deleterious"; PolyPhen-2: "Probably Damaging"; Align-GVGD: "Class C0". The arginine amino acid residue is found in multiple mammalian species, which suggests that this missense change does not adversely affect protein function. In summary, the available evidence is currently insufficient to determine the role of this variant in disease. Therefore, it has been classified as a Variant of Uncertain Significance.

Blueprint Genetics
Classification: Uncertain significance. Last evaluated: 2021-08-05. Review status: criteria provided, single submitter. Criteria: ACMG Guidelines, 2015. Collection method: clinical testing. Allele origin: germline.

Literature cited by the submitters: PubMed 21069908 (cited by Labcorp Genetics (formerly Invitae), Labcorp); PubMed 21519034 (cited by Labcorp Genetics (formerly Invitae), Labcorp).